The following is an entry in ClinVar:

NM_032578.4(MYPN):c.2409C>A (p.Ser803Arg)

Gene: MYPN (myopalladin; plus strand). Cytogenetic location: 10q21.3.
Variant type: single nucleotide variant.
Coding change: c.2409C>A on transcript NM_032578.4 (MANE Select); coding-DNA position 2409, C replaced by A.
Protein change: p.Ser803Arg; replaces serine 803 with arginine.
Molecular consequence: missense variant. On other transcripts: non-coding transcript variant (2).
Genome position (GRCh38, 1-based): chr10:68,174,501, C>A. VCF-style: chr10-68174501-C-A. GRCh37 (hg19) VCF-style: chr10-69934258-C-A.
Other names: p.Ser803Arg; c.2409C>A, p.Ser803Arg (NM_001256267.2); c.1527C>A, p.Ser509Arg (NM_001256268.2); short protein forms S803R, S509R.
Identifiers: ClinVar variation 417019 (VCV000417019.20), dbSNP rs3814182, ClinGen allele CA5522783.

ClinVar aggregate classification (germline): Conflicting classifications of pathogenicity. Review status: criteria provided, conflicting classifications (1 of 4 stars). 4 submissions from 4 submitters: Uncertain significance (1); Likely benign (3). Last evaluated 2025-10-02.

Conditions:
Dilated cardiomyopathy 1KK (CMD1KK). Identifiers: Orphanet 154, Orphanet 75249, MedGen C3714995, MONDO:0014100, OMIM 615248.
Cardiovascular phenotype. Identifiers: MedGen CN230736.

gnomAD v4.1: 26 of 1,613,688 alleles (0.0016%); highest among the groups gnomAD compares: Non-Finnish European, 0.0017%; no homozygotes.

Submissions (4):

Labcorp Genetics (formerly Invitae), Labcorp
Classification: Likely benign for Dilated cardiomyopathy 1KK. Last evaluated: 2025-10-02. Review status: criteria provided, single submitter. Criteria: Invitae Variant Classification Sherloc (09022015). Collection method: clinical testing. Allele origin: germline.

Ambry Genetics
Classification: Likely benign for Cardiovascular phenotype. Last evaluated: 2024-07-05. Review status: criteria provided, single submitter. Criteria: Ambry Variant Classification Scheme 2023. Collection method: clinical testing. Allele origin: germline.

Mayo Clinic Laboratories, Mayo Clinic
Classification: Uncertain significance. Last evaluated: 2023-01-27. Review status: criteria provided, single submitter. Criteria: ACMG Guidelines, 2015. Collection method: clinical testing. Allele origin: germline. Observed: 1 variant allele.
Comment: BP4

GeneDx
Classification: Likely benign. Last evaluated: 2020-12-08. Review status: criteria provided, single submitter. Criteria: GeneDx Variant Classification Process June 2021. Collection method: clinical testing. Allele origin: germline. Affected: yes.

Literature cited by the submitters: PubMed 18006477 (cited by Ambry Genetics); PubMed 22286171 (cited by Ambry Genetics); PubMed 23861362 (cited by Ambry Genetics).